The following is an entry in ClinVar:

ClinVar aggregate classification (germline): Uncertain significance (1 of 4 stars; one submission).

Conditions:
Hereditary cancer-predisposing syndrome. Also called: Neoplastic Syndromes, Hereditary; Tumor predisposition; Hereditary Cancer Syndrome; Hereditary neoplastic syndrome. Identifiers: Orphanet 140162, MedGen C0027672, MeSH D009386, MONDO:0015356.

Submission:

Ambry Genetics
Classification: Uncertain significance for Hereditary cancer-predisposing syndrome. Last evaluated: 2024-11-16. Review status: criteria provided, single submitter. Criteria: Ambry Variant Classification Scheme 2023. Collection method: clinical testing. Allele origin: germline.
Comment: The p.D1698H variant (also known as c.5092G>C), located in coding exon 15 of the APC gene, results from a G to C substitution at nucleotide position 5092. The aspartic acid at codon 1698 is replaced by histidine, an amino acid with similar properties. This amino acid position is conserved. In addition, in silico predictors for this gene do not accurately predict pathogenicity. Based on the available evidence, the clinical significance of this variant remains unclear.

NM_000038.6(APC):c.5092G>C (p.Asp1698His)

Gene: APC (APC regulator of Wnt signaling pathway; plus strand). Cytogenetic location: 5q22.2.
Variant type: single nucleotide variant.
Coding change: c.5092G>C on transcript NM_000038.6 (MANE Select); coding-DNA position 5092, G replaced by C.
Protein change: p.Asp1698His; replaces aspartic acid 1698 with histidine.
Molecular consequence: missense variant. On other transcripts: non-coding transcript variant (2).
Genome position (GRCh38, 1-based): chr5:112,840,686, G>C. VCF-style: chr5-112840686-G-C. GRCh37 (hg19) VCF-style: chr5-112176383-G-C.
Other names: c.5092G>C, p.Asp1698His (NM_001127510.3, NM_001354895.2, NM_001407450.1); c.5038G>C, p.Asp1680His (NM_001127511.3); c.5146G>C, p.Asp1716His (NM_001354896.2, NM_001407447.1, NM_001407448.1 and 1 more transcripts); c.5122G>C, p.Asp1708His (NM_001354897.2); c.5017G>C, p.Asp1673His (NM_001354898.2); c.5008G>C, p.Asp1670His (NM_001354899.2); c.4969G>C, p.Asp1657His (NM_001354900.2); c.4915G>C, p.Asp1639His (NM_001354901.2, NM_001407453.1); and 11 more; short protein forms D1569H, D1572H, D1597H, D1657H, D1716H, D1415H, D1615H, D1639H.
Identifiers: ClinVar variation 3412342 (VCV003412342.1).